The following is an entry in ClinVar:

ClinVar aggregate classification (germline): Likely pathogenic (1 of 4 stars; one submission).

Submission:

Labcorp Genetics (formerly Invitae), Labcorp
Classification: Likely pathogenic. Last evaluated: 2024-03-20. Review status: criteria provided, single submitter. Criteria: Invitae Variant Classification Sherloc (09022015). Collection method: clinical testing. Allele origin: germline.
Comment: This sequence change affects a donor splice site in intron 40 of the COL4A4 gene. It is expected to disrupt RNA splicing. Variants that disrupt the donor or acceptor splice site typically lead to a loss of protein function (PMID: 16199547), and loss-of-function variants in COL4A4 are known to be pathogenic (PMID: 21196518, 24854265, 25307543). This variant is not present in population databases (gnomAD no frequency). This variant has not been reported in the literature in individuals affected with COL4A4-related conditions. Algorithms developed to predict the effect of sequence changes on RNA splicing suggest that this variant may disrupt the consensus splice site. In summary, the currently available evidence indicates that the variant is pathogenic, but additional data are needed to prove that conclusively. Therefore, this variant has been classified as Likely Pathogenic.

Literature cited by the submitters: PubMed 16199547; PubMed 21196518; PubMed 24854265; PubMed 25307543.

NM_000092.5(COL4A4):c.3817+2T>C

Gene: COL4A4 (collagen type IV alpha 4 chain; minus strand). Cytogenetic location: 2q36.3.
Variant type: single nucleotide variant.
Coding change: c.3817+2T>C on transcript NM_000092.5 (MANE Select); the canonical splice donor site of the intron after coding-DNA position 3817, T replaced by C.
Molecular consequence: splice donor variant.
Genome position (GRCh38, 1-based): chr2:227,031,943, A>G on the plus strand (T>C on the coding strand, the complement: COL4A4 is on the minus strand). VCF-style: chr2-227031943-A-G. GRCh37 (hg19) VCF-style: chr2-227896659-A-G.
Identifiers: ClinVar variation 3647065 (VCV003647065.2).